The following is an entry in ClinVar:

NM_001377142.1(PLCB4):c.1630C>A (p.His544Asn)

Gene: PLCB4 (phospholipase C beta 4; plus strand). Cytogenetic location: 20p12.2.
Variant type: single nucleotide variant.
Coding change: c.1630C>A on transcript NM_001377142.1 (MANE Select); coding-DNA position 1630, C replaced by A.
Protein change: p.His544Asn; replaces histidine 544 with asparagine.
Molecular consequence: missense variant. On other transcripts: intron variant (5).
Genome position (GRCh38, 1-based): chr20:9,405,331, C>A. VCF-style: chr20-9405331-C-A. GRCh37 (hg19) VCF-style: chr20-9385978-C-A.
Other names: c.1630C>A (NM_001172646.1); c.1612-2586C>A (NM_001377135.1, NM_001377136.1, NM_001377134.2 and 2 more transcripts); c.1630C>A, p.His544Asn (NM_001172646.2, NM_001377143.1); short protein forms H544N.
Identifiers: ClinVar variation 3911444 (VCV003911444.2).
Genomic context (GRCh38, chr20:9,405,331, plus strand): 5'-CCCTTTAGAGAAGTAAACAAATTATTTCCTTTCTCTAATTAGGCTTCAGATGACCTTGAA[C>A]ATGAAAACAACAAAAAGGTAACAAAATAATTCCCTTGCACATTTTAAATCAGATGCATCT-3'
Protein context (NP_001364071.1, residues 534-554): SVKKASDDLE[His544Asn]ENNKKGLVTV

ClinVar aggregate classification (germline): Benign/Likely benign. Review status: criteria provided, multiple submitters, no conflicts (2 of 4 stars). 2 submissions from 2 submitters: Benign (1); Likely benign (1). Last evaluated 2026-03-03.

Conditions:
PLCB4-related disorder. Also called: PLCB4-related condition.

gnomAD v4.1: 466 of 1,546,430 alleles (0.03%); highest among the groups gnomAD compares: Non-Finnish European, 0.039%; no homozygotes.

Submissions (2):

PreventionGenetics, part of Exact Sciences
Classification: Likely benign for PLCB4-related condition. Last evaluated: 2026-03-03. Review status: criteria provided, single submitter. Criteria: ACMG Guidelines, 2015. Collection method: clinical testing. Allele origin: germline.
Comment: This variant is classified as likely benign based on ACMG/AMP sequence variant interpretation guidelines (Richards et al. 2015 PMID: 25741868, with internal and published modifications).

Laboratory of Genetics, Children's Clinical University Hospital Latvia
Classification: Benign. Last evaluated: 2025-02-16. Review status: criteria provided, single submitter. Criteria: ACMG Guidelines, 2015. Collection method: clinical testing. Allele origin: germline. Affected: yes.